The following is an entry in ClinVar:

NM_000038.6(APC):c.5126C>A (p.Thr1709Asn)

Gene: APC (APC regulator of Wnt signaling pathway; plus strand). Cytogenetic location: 5q22.2.
Variant type: single nucleotide variant.
Coding change: c.5126C>A on transcript NM_000038.6 (MANE Select); coding-DNA position 5126, C replaced by A.
Protein change: p.Thr1709Asn; replaces threonine 1709 with asparagine.
Molecular consequence: missense variant. On other transcripts: non-coding transcript variant (2).
Genome position (GRCh38, 1-based): chr5:112,840,720, C>A. VCF-style: chr5-112840720-C-A. GRCh37 (hg19) VCF-style: chr5-112176417-C-A.
Other names: c.5126C>A, p.Thr1709Asn (NM_001127510.3, NM_001354895.2, NM_001407450.1); c.5072C>A, p.Thr1691Asn (NM_001127511.3); c.5180C>A, p.Thr1727Asn (NM_001354896.2, NM_001407447.1, NM_001407448.1 and 1 more transcripts); c.5156C>A, p.Thr1719Asn (NM_001354897.2); c.5051C>A, p.Thr1684Asn (NM_001354898.2); c.5042C>A, p.Thr1681Asn (NM_001354899.2); c.5003C>A, p.Thr1668Asn (NM_001354900.2); c.4949C>A, p.Thr1650Asn (NM_001354901.2, NM_001407453.1); and 11 more; short protein forms T1325N, T1426N, T1549N, T1580N, T1583N, T1608N, T1618N, T1626N.
Identifiers: ClinVar variation 2662827 (VCV002662827.4), dbSNP rs1580656526, ClinGen allele CA16032533.

ClinVar aggregate classification (germline): Uncertain significance. Review status: criteria provided, multiple submitters, no conflicts (2 of 4 stars). 2 submissions from 2 submitters: Uncertain significance (2). Last evaluated 2023-11-06.

Conditions:
Familial adenomatous polyposis 1 (FAP1). Also called: FAMILIAL ADENOMATOUS POLYPOSIS 1, ATTENUATED; POLYPOSIS, ADENOMATOUS INTESTINAL. Identifiers: MedGen C2713442, MONDO:0021056, OMIM 175100. Disease mechanism: loss of function.

Submissions (2):

GeneDx
Classification: Uncertain significance. Last evaluated: 2023-11-06. Review status: criteria provided, single submitter. Criteria: GeneDx Variant Classification Process June 2021. Collection method: clinical testing. Allele origin: germline. Affected: yes.
Comment: Not observed at significant frequency in large population cohorts (gnomAD); In silico analysis supports that this missense variant does not alter protein structure/function; Has not been previously published as pathogenic or benign to our knowledge; This variant is associated with the following publications: (PMID: 18199528)

Labcorp Genetics (formerly Invitae), Labcorp
Classification: Uncertain significance for Familial adenomatous polyposis 1. Last evaluated: 2023-06-23. Review status: criteria provided, single submitter. Criteria: Invitae Variant Classification Sherloc (09022015). Collection method: clinical testing. Allele origin: germline.
Comment: In summary, the available evidence is currently insufficient to determine the role of this variant in disease. Therefore, it has been classified as a Variant of Uncertain Significance. Advanced modeling of protein sequence and biophysical properties (such as structural, functional, and spatial information, amino acid conservation, physicochemical variation, residue mobility, and thermodynamic stability) performed at Invitae indicates that this missense variant is not expected to disrupt APC protein function. This variant has not been reported in the literature in individuals affected with APC-related conditions. This variant is not present in population databases (gnomAD no frequency). This sequence change replaces threonine, which is neutral and polar, with asparagine, which is neutral and polar, at codon 1709 of the APC protein (p.Thr1709Asn).